The following is an entry in ClinVar:

ClinVar aggregate classification (germline): Uncertain significance (1 of 4 stars; one submission).

Submission:

Ambry Genetics
Classification: Uncertain significance. Last evaluated: 2023-05-28. Review status: criteria provided, single submitter. Criteria: Ambry Variant Classification Scheme 2023. Collection method: clinical testing. Allele origin: germline.
Comment: The p.L1221V variant (also known as c.3661C>G), located in coding exon 17 of the NPAT gene, results from a C to G substitution at nucleotide position 3661. The leucine at codon 1221 is replaced by valine, an amino acid with highly similar properties. This amino acid position is conserved. In addition, this alteration is predicted to be tolerated by in silico analysis. Since supporting evidence is limited at this time, the clinical significance of this alteration remains unclear.

NM_002519.3(NPAT):c.3661C>G (p.Leu1221Val)

Gene: NPAT (nuclear protein, coactivator of histone transcription; minus strand). Cytogenetic location: 11q22.3.
Variant type: single nucleotide variant.
Coding change: c.3661C>G on transcript NM_002519.3 (MANE Select); coding-DNA position 3661, C replaced by G.
Protein change: p.Leu1221Val; replaces leucine 1221 with valine.
Molecular consequence: missense variant.
Genome position (GRCh38, 1-based): chr11:108,161,425, G>C on the plus strand (C>G on the coding strand, the complement: NPAT is on the minus strand). VCF-style: chr11-108161425-G-C. GRCh37 (hg19) VCF-style: chr11-108032152-G-C.
Other names: c.3682C>G, p.Leu1228Val (NM_001321307.1); short protein forms L1221V, L1228V.
Identifiers: ClinVar variation 2568019 (VCV002568019.2), dbSNP rs2496695179, ClinGen allele CA382510319.
Genomic context (GRCh38, chr11:108,161,425, plus strand): 5'-AAGAACTGGCGGATTTAGTTTGTTCTTGTTTTAGATCCTTCACAGCTGTACCTACTGAAA[G>C]TACATTTTTATTGTTTGAAGATGTGCCTTGTTTTTTGGTCATTTCTTGCAGTGAAGCTAT-3'
Protein context (NP_002510.2, residues 1211-1231): QGTSSNNKNV[Leu1221Val]SVGTAVKDLK